The following is an entry in ClinVar:

NM_004484.4(GPC3):c.1177C>T (p.Gln393Ter)

Gene: GPC3 (glypican 3; minus strand). Cytogenetic location: Xq26.2.
Variant type: single nucleotide variant.
Coding change: c.1177C>T on transcript NM_004484.4 (MANE Select); coding-DNA position 1177, C replaced by T.
Protein change: p.Gln393Ter; replaces glutamine 393 with a stop codon.
Molecular consequence: nonsense.
Genome position (GRCh38, 1-based): chrX:133,692,484, G>A on the plus strand (C>T on the coding strand, the complement: GPC3 is on the minus strand). VCF-style: chrX-133692484-G-A. GRCh37 (hg19) VCF-style: chrX-132826512-G-A.
Other names: c.1246C>T, p.Gln416Ter (NM_001164617.2); c.1129C>T, p.Gln377Ter (NM_001164618.2); c.1015C>T, p.Gln339Ter (NM_001164619.2); short protein forms Q393*, Q339*, Q416*, Q377*.
Identifiers: ClinVar variation 489161 (VCV000489161.2), dbSNP rs1556263859, ClinGen allele CA414705798.

ClinVar aggregate classification (germline): Likely pathogenic (1 of 4 stars; one submission).

Submission:

GeneDx
Classification: Likely pathogenic. Last evaluated: 2018-08-29. Review status: criteria provided, single submitter. Criteria: GeneDx Variant Classification (06012015). Collection method: clinical testing. Allele origin: germline. Affected: yes.
Comment: The Q393X variant in the GPC3 gene has not been reported previously as a pathogenic variant nor as a benign variant, to our knowledge. This variant is predicted to cause loss of normal protein function either through protein truncation or nonsense-mediated mRNA decay. The Q393X variant is not observed in large population cohorts (Lek et al., 2016). We interpret Q393X as a likely pathogenic variant.